The following is an entry in ClinVar:

ClinVar aggregate classification (germline): Benign. Review status: criteria provided, multiple submitters, no conflicts (2 of 4 stars). 4 submissions from 4 submitters: Benign (4). Last evaluated 2021-06-07.

Conditions:
NAFLD1 (FLD1). Also called: FATTY LIVER DISEASE, SUSCEPTIBILITY TO, 1; Fatty liver disease, nonalcoholic 1. Identifiers: MedGen C2750440, MONDO:0021105, OMIM 613282.

Allele frequency attached by ClinVar (database versions not stated): ESP Exome Variant Server 0.19429; gnomAD 0.22297 and 0.22730; gnomAD exomes 0.23281 and 0.27780; TOPMed 0.24475; 1000 Genomes Project 0.26218; ExAC 0.26313; 1000 Genomes Project 30x 0.26437.
gnomAD v4.1: 373,151 of 1,606,722 alleles (23%); highest among the groups gnomAD compares: Admixed American, 51%; 47,854 homozygotes.

Submissions (4):

GeneDx
Classification: Benign. Last evaluated: 2021-06-07. Review status: criteria provided, single submitter. Criteria: GeneDx Variant Classification Process June 2021. Collection method: clinical testing. Allele origin: germline. Affected: yes.

Laboratory for Molecular Medicine, Mass General Brigham Personalized Medicine
Classification: Benign. Last evaluated: 2019-07-25. Review status: criteria provided, single submitter. Criteria: LMM Criteria. Collection method: clinical testing. Allele origin: germline. Observed: 2 variant alleles.
Comment: The p.Pro149Pro variant in PNPLA3 is classified as benign because it does not alter an amino acid residue, is not located within the splice consensus site, and computational splice prediction tools do not predict an impact on splicing. It has been identified in 55% (19436/35384, including 5584 homozygous observations) of Latino chromosomes by gnomAD. ACMG/AMP Criteria applied: BA1, BP4, BP7.

Illumina Laboratory Services, Illumina
Classification: Benign for NAFLD1. Last evaluated: 2018-01-13. Review status: criteria provided, single submitter. Criteria: ICSL Variant Classification Criteria 13 December 2019. Collection method: clinical testing. Allele origin: germline.
Comment: This variant was observed in the ICSL laboratory as part of a predisposition screen in an ostensibly healthy population. It had not been previously curated by ICSL or reported in the Human Gene Mutation Database (HGMD: prior to June 1st, 2018), and was therefore a candidate for classification through an automated scoring system. Utilizing variant allele frequency, disease prevalence and penetrance estimates, and inheritance mode, an automated score was calculated to assess if this variant is too frequent to cause the disease. Based on the score and internal cut-off values, a variant classified as benign is not then subjected to further curation. The score for this variant resulted in a classification of benign for this disease.

Breakthrough Genomics
Classification: Benign. Review status: criteria provided, single submitter. Criteria: ACMG Guidelines, 2015. Collection method: not provided. Allele origin: germline. Inheritance: Unknown mechanism. Affected: yes.

NM_025225.3(PNPLA3):c.447C>T (p.Pro149=)

Gene: PNPLA3 (patatin like domain 3, 1-acylglycerol-3-phosphate O-acyltransferase; plus strand). Cytogenetic location: 22q13.31.
Variant type: single nucleotide variant.
Coding change: c.447C>T on transcript NM_025225.3 (MANE Select); coding-DNA position 447, C replaced by T.
Protein change: p.Pro149=; no amino-acid change (proline 149 retained).
Molecular consequence: synonymous variant.
Genome position (GRCh38, 1-based): chr22:43,928,850, C>T. VCF-style: chr22-43928850-C-T. GRCh37 (hg19) VCF-style: chr22-44324730-C-T.
Identifiers: ClinVar variation 341933 (VCV000341933.12), dbSNP rs738408, ClinGen allele CA10277927.
Genomic context (GRCh38, chr22:43,928,850, plus strand): 5'-TCGCCTATAACTTCTCTCTCCTTTGCTTTCACAGGCCTTGGTATGTTCCTGCTTCATCCC[C>T]TTCTACAGTGGCCTTATCCCTCCTTCCTTCAGAGGCGTGGTAAGTCGGCTTTCTCTGCTA-3'
Protein context (NP_079501.2, residues 139-159): VDALVCSCFI[Pro149=]FYSGLIPPSF